The following is an entry in ClinVar:

ClinVar aggregate classification (germline): Conflicting classifications of pathogenicity. Review status: criteria provided, conflicting classifications (1 of 4 stars). 2 submissions from 2 submitters: Uncertain significance (1); Likely benign (1). Last evaluated 2023-07-06.

Allele frequency attached by ClinVar (database versions not stated): TOPMed 0.00014; ExAC 0.00003; gnomAD 0.00004.
gnomAD v4.1: 49 of 1,612,404 alleles (0.003%); highest among the groups gnomAD compares: African/African-American, 0.028%; no homozygotes.

Submissions (2):

Labcorp Genetics (formerly Invitae), Labcorp
Classification: Uncertain significance. Last evaluated: 2023-07-06. Review status: criteria provided, single submitter. Criteria: Invitae Variant Classification Sherloc (09022015). Collection method: clinical testing. Allele origin: germline.
Comment: This variant is present in population databases (rs750595555, gnomAD 0.02%). In summary, the available evidence is currently insufficient to determine the role of this variant in disease. Therefore, it has been classified as a Variant of Uncertain Significance. Algorithms developed to predict the effect of missense changes on protein structure and function output the following: SIFT: "Not Available"; PolyPhen-2: "Benign"; Align-GVGD: "Not Available". The valine amino acid residue is found in multiple mammalian species, which suggests that this missense change does not adversely affect protein function. ClinVar contains an entry for this variant (Variation ID: 1984767). This variant has not been reported in the literature in individuals affected with NUP62-related conditions. This sequence change replaces alanine, which is neutral and non-polar, with valine, which is neutral and non-polar, at codon 322 of the NUP62 protein (p.Ala322Val).

Ambry Genetics
Classification: Likely benign. Last evaluated: 2022-03-23. Review status: criteria provided, single submitter. Criteria: Ambry Variant Classification Scheme 2023. Collection method: clinical testing. Allele origin: germline.

NM_016553.5(NUP62):c.965C>T (p.Ala322Val)

Genes: IL4I1 (interleukin 4 induced 1; minus strand), NUP62 (nucleoporin 62; minus strand). Cytogenetic location: 19q13.33.
Variant type: single nucleotide variant.
Coding change: c.965C>T on transcript NM_016553.5 (MANE Select); coding-DNA position 965, C replaced by T.
Protein change: p.Ala322Val; replaces alanine 322 with valine.
Molecular consequence: missense variant. On other transcripts: intron variant (3).
Genome position (GRCh38, 1-based): chr19:49,908,843, G>A on the plus strand (C>T on the coding strand, the complement: NUP62 is on the minus strand). VCF-style: chr19-49908843-G-A. GRCh37 (hg19) VCF-style: chr19-50412100-G-A.
Other names: c.965C>T, p.Ala322Val (NM_001193357.2, NM_012346.5, NM_153718.4 and 1 more transcripts); c.-227-4522C>T (NM_001258017.2, NM_172374.3); c.-285-4522C>T (NM_001258018.2); short protein forms A322V.
Identifiers: ClinVar variation 1984767 (VCV001984767.4), dbSNP rs750595555, ClinGen allele CA9588981.